The following is an entry in ClinVar:

ClinVar aggregate classification (germline): Likely benign. Review status: criteria provided, single submitter (1 of 4 stars). 2 submissions from 2 submitters: Likely benign (1). 1 of the submissions does not count toward it.

Allele frequency attached by ClinVar (database versions not stated): ESP Exome Variant Server 0.00219; 1000 Genomes Project 30x 0.01858; gnomAD 0.00503 and 0.00644; 1000 Genomes Project 0.01917; TOPMed 0.00818.

Submissions (2):

Breakthrough Genomics
Classification: Likely benign. Review status: criteria provided, single submitter. Criteria: ACMG Guidelines, 2015. Collection method: not provided. Allele origin: germline. Inheritance: Autosomal recessive inheritance. Affected: yes.

Genetic Services Laboratory, University of Chicago
Classification: Likely benign for AllHighlyPenetrant. Review status: no assertion criteria provided. Collection method: clinical testing. Allele origin: germline. Inheritance: Autosomal recessive inheritance. Not counted in ClinVar's aggregate classification.
Comment: Likely benign based on allele frequency in 1000 Genomes Project or ESP global frequency and its presence in a patient with a rare or unrelated disease phenotype. NOT Sanger confirmed.

NM_012233.2(RAB3GAP1):c.-53C>G

Gene: RAB3GAP1 (RAB3 GTPase activating protein catalytic subunit 1; plus strand). Cytogenetic location: 2q21.3.
Variant type: single nucleotide variant.
Coding change: c.-53C>G on transcript NM_012233.2; 53 bases upstream of the start codon, C replaced by G.
Genome position (GRCh38, 1-based): chr2:135,052,255, C>G. VCF-style: chr2-135052255-C-G. GRCh37 (hg19) VCF-style: chr2-135809825-C-G.
Identifiers: ClinVar variation 130060 (VCV000130060.11), dbSNP rs78560065, ClinGen allele CA154826.